The following is an entry in ClinVar:

NM_006922.4(SCN3A):c.4620G>A (p.Met1540Ile)

Gene: SCN3A (sodium voltage-gated channel alpha subunit 3; minus strand). Cytogenetic location: 2q24.3.
Variant type: single nucleotide variant.
Coding change: c.4620G>A on transcript NM_006922.4 (MANE Select); coding-DNA position 4620, G replaced by A.
Protein change: p.Met1540Ile; replaces methionine 1540 with isoleucine.
Molecular consequence: missense variant.
Genome position (GRCh38, 1-based): chr2:165,092,441, C>T on the plus strand (G>A on the coding strand, the complement: SCN3A is on the minus strand). VCF-style: chr2-165092441-C-T. GRCh37 (hg19) VCF-style: chr2-165948951-C-T.
Other names: c.4473G>A, p.Met1491Ile (NM_001081676.2, NM_001081677.2); short protein forms M1491I, M1540I.
Identifiers: ClinVar variation 5002868 (VCV005002868.1).
Genomic context (GRCh38, chr2:165,092,441, plus strand): 5'-CCGGGACAAAACTAGGGTCATGTATTTGCCCTGGTCATCCGTTTCCACCATCATGGTGAC[C>T]ATGTTGAGGCAGATGAGGATCATGATGCTGATATCAAAGACTTGTCTGGTTACAAAATCA-3'
Protein context (NP_008853.3, residues 1530-1550): ISIMILICLN[Met1540Ile]VTMMVETDDQ

ClinVar aggregate classification (germline): Uncertain significance (1 of 4 stars; one submission).

Conditions:
Developmental and epileptic encephalopathy, 62. Also called: Early infantile epileptic encephalopathy 62. Identifiers: MedGen C4693699, MONDO:0033371, OMIM 617938.

Submission:

OLLIN Analises Genomicas, OLLIN
Classification: Uncertain significance for Developmental and epileptic encephalopathy, 62. Last evaluated: 2026-08-06. Review status: criteria provided, single submitter. Criteria: ACMG Guidelines 2015 PMID 25741868. Collection method: clinical testing. Allele origin: germline. Inheritance: Autosomal dominant inheritance.
Comment: This missense variant, located in exon 27 (of 28), is absent from gnomAD and ClinVar and has not been identified in the literature. In silico analysis predicts that this variant has a deleterious effect. According to the currently available evidence, this variant has been classified as uncertain significance (PM2_P, PP3_M).